The following is an entry in ClinVar:

NM_001009999.3(KDM1A):c.2411T>C (p.Ile804Thr)

Gene: KDM1A (lysine demethylase 1A; plus strand). Cytogenetic location: 1p36.12.
Variant type: single nucleotide variant.
Coding change: c.2411T>C on transcript NM_001009999.3 (MANE Select); coding-DNA position 2411, T replaced by C.
Protein change: p.Ile804Thr; replaces isoleucine 804 with threonine.
Molecular consequence: missense variant.
Genome position (GRCh38, 1-based): chr1:23,082,332, T>C. VCF-style: chr1-23082332-T-C. GRCh37 (hg19) VCF-style: chr1-23408825-T-C.
Other names: c.2357T>C, p.Ile786Thr (NM_001363654.2); c.2417T>C, p.Ile806Thr (NM_001410762.1); c.2339T>C, p.Ile780Thr (NM_001410763.1, NM_015013.4); short protein forms I806T, I780T, I804T, I786T.
Identifiers: ClinVar variation 4042122 (VCV004042122.1).

ClinVar aggregate classification (germline): Uncertain significance (1 of 4 stars; one submission).

Conditions:
Inborn genetic diseases. Identifiers: MedGen C0950123, MeSH D030342.

gnomAD v4.1: 3 of 1,613,986 alleles (0.00019%); highest among the groups gnomAD compares: Non-Finnish European, 0.00017%; no homozygotes.

Submission:

Ambry Genetics
Classification: Uncertain significance for Inborn genetic diseases. Last evaluated: 2025-05-02. Review status: criteria provided, single submitter. Criteria: Ambry Variant Classification Scheme 2023. Collection method: clinical testing. Allele origin: germline.
Comment: The p.I804T variant (also known as c.2411T>C), located in coding exon 20 of the KDM1A gene, results from a T to C substitution at nucleotide position 2411. The isoleucine at codon 804 is replaced by threonine, an amino acid with similar properties. This amino acid position is conserved. In addition, this alteration is predicted to be deleterious by in silico analysis. Based on the available evidence, the clinical significance of this variant remains unclear.